The following is an entry in ClinVar:

ClinVar aggregate classification (germline): Uncertain significance. Review status: criteria provided, multiple submitters, no conflicts (2 of 4 stars). 2 submissions from 2 submitters: Uncertain significance (2). Last evaluated 2023-05-11.

Conditions:
Duchenne muscular dystrophy (DMD). Also called: Duchenne Muscular Dystrophy (DMD); MUSCULAR DYSTROPHY, PSEUDOHYPERTROPHIC PROGRESSIVE, DUCHENNE TYPE. Identifiers: Orphanet 98896, MedGen C0013264, MONDO:0010679, OMIM 310200.

Allele frequency attached by ClinVar (database versions not stated): gnomAD exomes below 0.00001; TOPMed 0.00001.
gnomAD v4.1: 2 of 1,209,340 alleles (0.00017%); highest among the groups gnomAD compares: Non-Finnish European, 0.00022%; no homozygotes.

Submissions (2):

Labcorp Genetics (formerly Invitae), Labcorp
Classification: Uncertain significance for Duchenne muscular dystrophy. Last evaluated: 2023-05-11. Review status: criteria provided, single submitter. Criteria: Invitae Variant Classification Sherloc (09022015). Collection method: clinical testing. Allele origin: germline.
Comment: This sequence change replaces alanine, which is neutral and non-polar, with serine, which is neutral and polar, at codon 1437 of the DMD protein (p.Ala1437Ser). This variant is not present in population databases (gnomAD no frequency). This variant has not been reported in the literature in individuals affected with DMD-related conditions. ClinVar contains an entry for this variant (Variation ID: 287948). Advanced modeling of protein sequence and biophysical properties (such as structural, functional, and spatial information, amino acid conservation, physicochemical variation, residue mobility, and thermodynamic stability) performed at Invitae indicates that this missense variant is not expected to disrupt DMD protein function. In summary, the available evidence is currently insufficient to determine the role of this variant in disease. Therefore, it has been classified as a Variant of Uncertain Significance.

Eurofins Ntd Llc (ga)
Classification: Uncertain significance. Last evaluated: 2016-05-24. Review status: criteria provided, single submitter. Criteria: EGL Classification Definitions 2015. Collection method: clinical testing. Allele origin: germline. Observed: 1 variant allele, 1 hemizygote.

NM_004006.3(DMD):c.4309G>T (p.Ala1437Ser)

Gene: DMD (dystrophin; minus strand). Cytogenetic location: Xp21.1.
Variant type: single nucleotide variant.
Coding change: c.4309G>T on transcript NM_004006.3 (MANE Select); coding-DNA position 4309, G replaced by T.
Protein change: p.Ala1437Ser; replaces alanine 1437 with serine.
Molecular consequence: missense variant.
Genome position (GRCh38, 1-based): chrX:32,390,106, C>A on the plus strand (G>T on the coding strand, the complement: DMD is on the minus strand). VCF-style: chrX-32390106-C-A. GRCh37 (hg19) VCF-style: chrX-32408223-C-A.
Other names: c.4285G>T, p.Ala1429Ser (NM_000109.4); c.4297G>T, p.Ala1433Ser (NM_004009.3); c.3940G>T, p.Ala1314Ser (NM_004010.3); c.286G>T, p.Ala96Ser (NM_004011.4); c.277G>T, p.Ala93Ser (NM_004012.4); short protein forms A1437S, A1314S, A1429S, A1433S, A93S, A96S.
Identifiers: ClinVar variation 287948 (VCV000287948.8), dbSNP rs886043766, ClinGen allele CA10605921.